The following is an entry in ClinVar:

ClinVar aggregate classification (germline): Likely benign. Review status: criteria provided, multiple submitters, no conflicts (2 of 4 stars). 2 submissions from 2 submitters: Likely benign (2). Last evaluated 2026-07-01.

Conditions:
Early-infantile DEE. Also called: Ohtahara syndrome; Early infantile epileptic encephalopathy; Early infantile epileptic encephalopathy with suppression bursts. Identifiers: Orphanet 1934, MedGen C0393706, MONDO:0800491.

Allele frequency attached by ClinVar (database versions not stated): gnomAD 0.00001; gnomAD exomes 0.00001 and 0.00002; ExAC 0.00002; TOPMed 0.00003.
gnomAD v4.1: 12 of 1,614,052 alleles (0.00074%); highest among the groups gnomAD compares: South Asian, 0.0077%; no homozygotes.

Submissions (2):

CeGaT Center for Human Genetics Tuebingen
Classification: Likely benign. Last evaluated: 2026-07-01. Review status: criteria provided, single submitter. Criteria: CeGaT Center For Human Genetics Tuebingen Variant Classification Criteria Version 2. Collection method: clinical testing. Allele origin: germline. Affected: yes. Observed: 1 variant allele.
Comment: SPTAN1: BP4, BP7

Labcorp Genetics (formerly Invitae), Labcorp
Classification: Likely benign for Early-infantile DEE. Last evaluated: 2025-03-15. Review status: criteria provided, single submitter. Criteria: Invitae Variant Classification Sherloc (09022015). Collection method: clinical testing. Allele origin: germline.

NM_001130438.3(SPTAN1):c.4809G>A (p.Glu1603=)

Gene: SPTAN1 (spectrin alpha, non-erythrocytic 1; plus strand). Cytogenetic location: 9q34.11.
Variant type: single nucleotide variant.
Coding change: c.4809G>A on transcript NM_001130438.3 (MANE Select); coding-DNA position 4809, G replaced by A.
Protein change: p.Glu1603=; no amino-acid change (glutamic acid 1603 retained).
Molecular consequence: synonymous variant.
Genome position (GRCh38, 1-based): chr9:128,611,749, G>A. VCF-style: chr9-128611749-G-A. GRCh37 (hg19) VCF-style: chr9-131374028-G-A.
Other names: c.4734G>A, p.Glu1578= (NM_001195532.2); c.4809G>A, p.Glu1603= (NM_001363759.2, NM_001375310.1, NM_001375311.2 and 1 more transcripts); c.4749G>A, p.Glu1583= (NM_001363765.2, NM_001375314.2); c.4845G>A, p.Glu1615= (NM_001375312.2, NM_001375318.1); c.4794G>A, p.Glu1598= (NM_003127.4).
Identifiers: ClinVar variation 1132095 (VCV001132095.13), dbSNP rs745887395, ClinGen allele CA5265307.